The following is an entry in ClinVar:

NM_001142800.2(EYS):c.4394C>A (p.Ala1465Asp)

Gene: EYS (eyes shut homolog; minus strand). Cytogenetic location: 6q12.
Variant type: single nucleotide variant.
Coding change: c.4394C>A on transcript NM_001142800.2 (MANE Select); coding-DNA position 4394, C replaced by A.
Protein change: p.Ala1465Asp; replaces alanine 1465 with aspartic acid.
Molecular consequence: missense variant.
Genome position (GRCh38, 1-based): chr6:64,591,473, G>T on the plus strand (C>A on the coding strand, the complement: EYS is on the minus strand). VCF-style: chr6-64591473-G-T. GRCh37 (hg19) VCF-style: chr6-65301366-G-T.
Other names: c.4394C>A, p.Ala1465Asp (NM_001292009.2); short protein forms A1465D.
Identifiers: ClinVar variation 2171485 (VCV002171485.1), dbSNP rs2533153975, ClinGen allele CA364783426.

ClinVar aggregate classification (germline): Uncertain significance (1 of 4 stars; one submission).

Submission:

Labcorp Genetics (formerly Invitae), Labcorp
Classification: Uncertain significance. Last evaluated: 2022-08-20. Review status: criteria provided, single submitter. Criteria: Invitae Variant Classification Sherloc (09022015). Collection method: clinical testing. Allele origin: germline.
Comment: This sequence change replaces alanine, which is neutral and non-polar, with aspartic acid, which is acidic and polar, at codon 1465 of the EYS protein (p.Ala1465Asp). This variant is not present in population databases (gnomAD no frequency). This variant has not been reported in the literature in individuals affected with EYS-related conditions. Algorithms developed to predict the effect of missense changes on protein structure and function are either unavailable or do not agree on the potential impact of this missense change (SIFT: "Deleterious"; PolyPhen-2: "Benign"; Align-GVGD: "Class C15"). In summary, the available evidence is currently insufficient to determine the role of this variant in disease. Therefore, it has been classified as a Variant of Uncertain Significance.